The following is an entry in ClinVar:

ClinVar aggregate classification (germline): Uncertain significance (1 of 4 stars; one submission).

Conditions:
Inborn genetic diseases. Identifiers: MedGen C0950123, MeSH D030342.

Submission:

Ambry Genetics
Classification: Uncertain significance for Inborn genetic diseases. Last evaluated: 2026-01-22. Review status: criteria provided, single submitter. Criteria: Ambry Variant Classification Scheme 2023. Collection method: clinical testing. Allele origin: germline.
Comment: The p.F120L variant (also known as c.360C>G), located in coding exon 4 of the AKT1 gene, results from a C to G substitution at nucleotide position 360. The phenylalanine at codon 120 is replaced by leucine, an amino acid with highly similar properties. This amino acid position is conserved. In addition, this alteration is predicted to be tolerated by in silico analysis. Based on the available evidence, the clinical significance of this variant remains unclear.

NM_001382430.1(AKT1):c.360C>G (p.Phe120Leu)

Gene: AKT1 (AKT serine/threonine kinase 1; minus strand). Cytogenetic location: 14q32.33.
Variant type: single nucleotide variant.
Coding change: c.360C>G on transcript NM_001382430.1 (MANE Select); coding-DNA position 360, C replaced by G.
Protein change: p.Phe120Leu; replaces phenylalanine 120 with leucine.
Molecular consequence: missense variant.
Genome position (GRCh38, 1-based): chr14:104,775,727, G>C on the plus strand (C>G on the coding strand, the complement: AKT1 is on the minus strand). VCF-style: chr14-104775727-G-C. GRCh37 (hg19) VCF-style: chr14-105242064-G-C.
Other names: c.360C>G, p.Phe120Leu (NM_001014431.2, NM_001014432.2, NM_001382431.1 and 3 more transcripts); short protein forms F120L.
Identifiers: ClinVar variation 4825724 (VCV004825724.1).
Genomic context (GRCh38, chr14:104,775,727, plus strand): 5'-CTTGGCCAGGGACACCTCCATCTCTTCAGCCCCTGAGTTGTCACTGGGTGAGCCCGACCG[G>C]AAGTCCATCTCCTCCTCCTCCTGCTTCTTGAGGCCGTCAGCCACAGTCTGGATGGCGGTT-3'
Protein context (NP_001369359.1, residues 110-130): LKKQEEEEMD[Phe120Leu]RSGSPSDNSG